The following is an entry in ClinVar:

NM_001368894.2(PAX6):c.275T>A (p.Val92Glu)

Gene: PAX6 (paired box 6; minus strand). Cytogenetic location: 11p13.
Variant type: single nucleotide variant.
Coding change: c.275T>A on transcript NM_001368894.2 (MANE Select); coding-DNA position 275, T replaced by A.
Protein change: p.Val92Glu; replaces valine 92 with glutamic acid.
Molecular consequence: missense variant. On other transcripts: 5 prime UTR variant (14), non-coding transcript variant (2), intron variant (8).
Genome position (GRCh38, 1-based): chr11:31,801,685, A>T on the plus strand (T>A on the coding strand, the complement: PAX6 is on the minus strand). VCF-style: chr11-31801685-A-T. GRCh37 (hg19) VCF-style: chr11-31823233-A-T.
Other names: c.233T>A (NM_000280.4); c.233T>A, p.Val78Glu (NM_000280.6, NM_001127612.3, NM_001258464.2 and 10 more transcripts); c.275T>A, p.Val92Glu (NM_001258462.3, NM_001258463.2, NM_001310158.2 and 6 more transcripts); c.-507T>A (NM_001310160.2, NM_001368902.2, NM_001368905.2); c.-176T>A (NM_001310161.3, NM_001368899.2, NM_001368900.2 and 8 more transcripts); c.476T>A, p.Val159Glu (NM_001368910.2); c.278T>A, p.Val93Glu (NM_001368911.2); c.350T>A, p.Val117Glu (NM_001368918.2, NM_001368919.2); and 3 more; short protein forms V103E, V117E, V159E, V78E, V92E, V93E.
Identifiers: ClinVar variation 1023138 (VCV001023138.9), dbSNP rs886042622, ClinGen allele CA379958779.
Genomic context (GRCh38, chr11:31,801,685, plus strand): 5'-AAGATGGACGGGCACTCCCGCTTATACTGGGCTATTTTGCTTACAACTTCTGGAGTCGCT[A>T]CTCTCGGTTTACTACCACCGATTGCCCTGGGTCTGATGGAGCCAGTCTCGTAATACCTGC-3'
Protein context (NP_001355823.1, residues 82-102): PRAIGGSKPR[Val92Glu]ATPEVVSKIA

ClinVar aggregate classification (germline): Pathogenic. Review status: criteria provided, multiple submitters, no conflicts (2 of 4 stars). 2 submissions from 2 submitters: Pathogenic (2). Last evaluated 2025-09-02.

Conditions:
Aniridia 1 (AN1). Identifiers: Orphanet 250923, MedGen C0344542, MONDO:0024507, OMIM 106210.
Irido-corneo-trabecular dysgenesis (ASGD5). Also called: ANTERIOR SEGMENT DYSGENESIS 5. Identifiers: Orphanet 708, MedGen C0344559, MONDO:0011414, OMIM 604229, HP:0000659.
PAX6-related disorder. Also called: PAX6-related disorders; PAX6-related condition.

Submissions (2):

Labcorp Genetics (formerly Invitae), Labcorp
Classification: Pathogenic for Aniridia 1; Irido-corneo-trabecular dysgenesis. Last evaluated: 2025-09-02. Review status: criteria provided, single submitter. Criteria: Invitae Variant Classification Sherloc (09022015). Collection method: clinical testing. Allele origin: germline.
Comment: This sequence change replaces valine, which is neutral and non-polar, with glutamic acid, which is acidic and polar, at codon 78 of the PAX6 protein (p.Val78Glu). This variant is not present in population databases (gnomAD no frequency). This missense change has been observed in individual(s) with aniridia (PMID: 37510387; internal data). It has also been observed to segregate with disease in related individuals. ClinVar contains an entry for this variant (Variation ID: 1023138). Invitae Evidence Modeling of protein sequence and biophysical properties (such as structural, functional, and spatial information, amino acid conservation, physicochemical variation, residue mobility, and thermodynamic stability) indicates that this missense variant is expected to disrupt PAX6 protein function with a positive predictive value of 80%. Experimental studies have shown that this missense change affects PAX6 function (PMID: 37510387). This variant disrupts the p.Val78 amino acid residue in PAX6. Other variant(s) that disrupt this residue have been determined to be pathogenic (PMID: 30167917, 34415986). This suggests that this residue is clinically significant, and that variants that disrupt this residue are likely to be disease-causing. For these reasons, this variant has been classified as Pathogenic.

Greenwood Genetic Center Diagnostic Laboratories, Greenwood Genetic Center
Classification: Pathogenic for PAX6-related disorder. Last evaluated: 2024-11-04. Review status: criteria provided, single submitter. Criteria: ACMG Guidelines, 2015. Collection method: clinical testing. Allele origin: germline. Affected: yes.
Comment: PS2, PS3, PS4_Supporting, PM2, PP2, PP3

Literature cited by the submitters: PubMed 37510387 (cited by Labcorp Genetics (formerly Invitae), Labcorp); PubMed 30167917 (cited by Labcorp Genetics (formerly Invitae), Labcorp); PubMed 34415986 (cited by Labcorp Genetics (formerly Invitae), Labcorp).